The following is an entry in ClinVar:

NM_000271.5(NPC1):c.1248C>G (p.Asp416Glu)

Gene: NPC1 (NPC intracellular cholesterol transporter 1; minus strand). Cytogenetic location: 18q11.2.
Variant type: single nucleotide variant.
Coding change: c.1248C>G on transcript NM_000271.5 (MANE Select); coding-DNA position 1248, C replaced by G.
Protein change: p.Asp416Glu; replaces aspartic acid 416 with glutamic acid.
Molecular consequence: missense variant.
Genome position (GRCh38, 1-based): chr18:23,556,321, G>C on the plus strand (C>G on the coding strand, the complement: NPC1 is on the minus strand). VCF-style: chr18-23556321-G-C. GRCh37 (hg19) VCF-style: chr18-21136285-G-C.
Other names: short protein forms D416E.
Identifiers: ClinVar variation 1444591 (VCV001444591.8), dbSNP rs2145455839, ClinGen allele CA401777436.

ClinVar aggregate classification (germline): Uncertain significance (1 of 4 stars; one submission).

Conditions:
Niemann-Pick disease, type C1. Also called: NIEMANN-PICK DISEASE, VARIANT TYPE C1; NEUROVISCERAL STORAGE DISEASE WITH VERTICAL SUPRANUCLEAR OPHTHALMOPLEGIA; NIEMANN-PICK DISEASE WITH CHOLESTEROL ESTERIFICATION BLOCK; NIEMANN-PICK DISEASE WITHOUT SPHINGOMYELINASE DEFICIENCY; NIEMANN-PICK DISEASE, CHRONIC NEURONOPATHIC FORM. Identifiers: Orphanet 646, MedGen C3179455, MONDO:0009757, OMIM 257220.

gnomAD v4.1: 2 of 1,614,086 alleles (0.00012%); highest among the groups gnomAD compares: Non-Finnish European, 0.00017%; no homozygotes.

Submission:

Labcorp Genetics (formerly Invitae), Labcorp
Classification: Uncertain significance for Niemann-Pick disease, type C1. Last evaluated: 2025-07-14. Review status: criteria provided, single submitter. Criteria: Invitae Variant Classification Sherloc (09022015). Collection method: clinical testing. Allele origin: germline.
Comment: This sequence change replaces aspartic acid, which is acidic and polar, with glutamic acid, which is acidic and polar, at codon 416 of the NPC1 protein (p.Asp416Glu). This variant is not present in population databases (gnomAD no frequency). This variant has not been reported in the literature in individuals affected with NPC1-related conditions. ClinVar contains an entry for this variant (Variation ID: 1444591). Invitae Evidence Modeling of protein sequence and biophysical properties (such as structural, functional, and spatial information, amino acid conservation, physicochemical variation, residue mobility, and thermodynamic stability) indicates that this missense variant is not expected to disrupt NPC1 protein function with a negative predictive value of 95%. In summary, the available evidence is currently insufficient to determine the role of this variant in disease. Therefore, it has been classified as a Variant of Uncertain Significance.